The following is an entry in ClinVar:

ClinVar aggregate classification (germline): Conflicting classifications of pathogenicity. Review status: criteria provided, conflicting classifications (1 of 4 stars). 2 submissions from 2 submitters: Uncertain significance (1); Likely benign (1). Last evaluated 2025-09-06.

Conditions:
Inborn genetic diseases. Identifiers: MedGen C0950123, MeSH D030342.
KBG syndrome (KBGS). Also called: ANKRD11-Related KBG Syndrome. Identifiers: Orphanet 2332, MedGen C0220687, MONDO:0007846, OMIM 148050.

gnomAD v4.1: 14 of 1,608,928 alleles (0.00087%); highest among the groups gnomAD compares: Admixed American, 0.023%; no homozygotes.

Submissions (2):

Labcorp Genetics (formerly Invitae), Labcorp
Classification: Uncertain significance for KBG syndrome. Last evaluated: 2025-09-06. Review status: criteria provided, single submitter. Criteria: Invitae Variant Classification Sherloc (09022015). Collection method: clinical testing. Allele origin: germline.
Comment: This sequence change replaces leucine, which is neutral and non-polar, with valine, which is neutral and non-polar, at codon 2095 of the ANKRD11 protein (p.Leu2095Val). This variant is present in population databases (rs772144411, gnomAD 0.02%). This variant has not been reported in the literature in individuals affected with ANKRD11-related conditions. ClinVar contains an entry for this variant (Variation ID: 588381). Invitae Evidence Modeling of protein sequence and biophysical properties (such as structural, functional, and spatial information, amino acid conservation, physicochemical variation, residue mobility, and thermodynamic stability) indicates that this missense variant is not expected to disrupt ANKRD11 protein function with a negative predictive value of 95%. In summary, the available evidence is currently insufficient to determine the role of this variant in disease. Therefore, it has been classified as a Variant of Uncertain Significance.

Ambry Genetics
Classification: Likely benign for Inborn genetic diseases. Last evaluated: 2016-11-03. Review status: criteria provided, single submitter. Criteria: Ambry Variant Classification Scheme 2023. Collection method: clinical testing. Allele origin: germline.

NM_013275.6(ANKRD11):c.6283C>G (p.Leu2095Val)

Gene: ANKRD11 (ankyrin repeat domain 11; minus strand). Cytogenetic location: 16q24.3.
Variant type: single nucleotide variant.
Coding change: c.6283C>G on transcript NM_013275.6 (MANE Select); coding-DNA position 6283, C replaced by G.
Protein change: p.Leu2095Val; replaces leucine 2095 with valine.
Molecular consequence: missense variant.
Genome position (GRCh38, 1-based): chr16:89,280,259, G>C on the plus strand (C>G on the coding strand, the complement: ANKRD11 is on the minus strand). VCF-style: chr16-89280259-G-C. GRCh37 (hg19) VCF-style: chr16-89346667-G-C.
Other names: c.6283C>G, p.Leu2095Val (NM_001256182.2, NM_001256183.2); short protein forms L2095V.
Identifiers: ClinVar variation 588381 (VCV000588381.6), dbSNP rs772144411, ClinGen allele CA8241507.